The following is an entry in ClinVar:

NM_173689.7(CRB2):c.952G>C (p.Gly318Arg)

Gene: CRB2 (crumbs cell polarity complex component 2; plus strand). Cytogenetic location: 9q33.3.
Variant type: single nucleotide variant.
Coding change: c.952G>C on transcript NM_173689.7 (MANE Select); coding-DNA position 952, G replaced by C.
Protein change: p.Gly318Arg; replaces glycine 318 with arginine.
Molecular consequence: missense variant.
Genome position (GRCh38, 1-based): chr9:123,367,584, G>C. VCF-style: chr9-123367584-G-C. GRCh37 (hg19) VCF-style: chr9-126129863-G-C.
Other names: c.952G>C (NM_173689.5); short protein forms G318R.
Identifiers: ClinVar variation 992264 (VCV000992264.6), dbSNP rs759937525, ClinGen allele CA5231858.

ClinVar aggregate classification (germline): Uncertain significance. Review status: criteria provided, multiple submitters, no conflicts (2 of 4 stars). 3 submissions from 3 submitters: Uncertain significance (3). Last evaluated 2024-11-11.

Conditions:
Inborn genetic diseases. Identifiers: MedGen C0950123, MeSH D030342.

Allele frequency attached by ClinVar (database versions not stated): TOPMed 0.00002.
gnomAD v4.1: 32 of 1,558,096 alleles (0.0021%); highest among the groups gnomAD compares: Middle Eastern, 0.019%; no homozygotes.

Submissions (3):

Labcorp Genetics (formerly Invitae), Labcorp
Classification: Uncertain significance. Last evaluated: 2024-11-11. Review status: criteria provided, single submitter. Criteria: Invitae Variant Classification Sherloc (09022015). Collection method: clinical testing. Allele origin: germline.
Comment: This sequence change replaces glycine, which is neutral and non-polar, with arginine, which is basic and polar, at codon 318 of the CRB2 protein (p.Gly318Arg). This variant is present in population databases (rs759937525, gnomAD 0.008%). This variant has not been reported in the literature in individuals affected with CRB2-related conditions. ClinVar contains an entry for this variant (Variation ID: 992264). Invitae Evidence Modeling of protein sequence and biophysical properties (such as structural, functional, and spatial information, amino acid conservation, physicochemical variation, residue mobility, and thermodynamic stability) has been performed for this missense variant. However, the output from this modeling did not meet the statistical confidence thresholds required to predict the impact of this variant on CRB2 protein function. In summary, the available evidence is currently insufficient to determine the role of this variant in disease. Therefore, it has been classified as a Variant of Uncertain Significance.

Ambry Genetics
Classification: Uncertain significance for Inborn genetic diseases. Last evaluated: 2024-07-30. Review status: criteria provided, single submitter. Criteria: Ambry Variant Classification Scheme 2023. Collection method: clinical testing. Allele origin: germline.

Women's Health and Genetics/Laboratory Corporation of America, LabCorp
Classification: Uncertain significance. Last evaluated: 2020-12-17. Review status: criteria provided, single submitter. Criteria: LabCorp Variant Classification Summary - May 2015. Collection method: clinical testing. Allele origin: germline.
Comment: Variant summary: CRB2 c.952G>C (p.Gly318Arg) results in a non-conservative amino acid change located in the EGF-like domain (IPR000742) of the encoded protein sequence. Four of five in-silico tools predict a benign effect of the variant on protein function. The variant allele was found at a frequency of 3e-05 in 168030 control chromosomes (gnomAD). The available data on variant occurrences in the general population are insufficient to allow any conclusion about variant significance. To our knowledge, no occurrence of c.952G>C in individuals affected with Focal Segmental Glomerulosclerosis 9 and no experimental evidence demonstrating its impact on protein function have been reported. No clinical diagnostic laboratories have submitted clinical-significance assessments for this variant to ClinVar after 2014. Based on the evidence outlined above, the variant was classified as uncertain significance.